The following is an entry in ClinVar:

ClinVar aggregate classification (germline): Conflicting classifications of pathogenicity. Review status: criteria provided, conflicting classifications (1 of 4 stars). 6 submissions from 6 submitters: Uncertain significance (5); Likely benign (1). Last evaluated 2026-01-19.

Conditions:
Inborn genetic diseases. Identifiers: MedGen C0950123, MeSH D030342.
Usher syndrome type 2C. Also called: USHER SYNDROME, TYPE IIC; Usher syndrome, type 2B. Identifiers: Orphanet 231178, Orphanet 886, MedGen C2931213, MONDO:0011558, OMIM 605472.

Allele frequency attached by ClinVar (database versions not stated): gnomAD 0.00001; gnomAD exomes 0.00003; TOPMed 0.00003.
gnomAD v4.1: 21 of 1,612,862 alleles (0.0013%); highest among the groups gnomAD compares: Admixed American, 0.015%; no homozygotes.

Submissions (6):

Labcorp Genetics (formerly Invitae), Labcorp
Classification: Likely benign. Last evaluated: 2026-01-19. Review status: criteria provided, single submitter. Criteria: Invitae Variant Classification Sherloc (09022015). Collection method: clinical testing. Allele origin: germline.

Ambry Genetics
Classification: Uncertain significance for Inborn genetic diseases. Last evaluated: 2024-12-30. Review status: criteria provided, single submitter. Criteria: Ambry Variant Classification Scheme 2023. Collection method: clinical testing. Allele origin: germline.

GeneDx
Classification: Uncertain significance. Last evaluated: 2024-12-02. Review status: criteria provided, single submitter. Criteria: GeneDx Variant Classification Process June 2021. Collection method: clinical testing. Allele origin: germline. Affected: yes.
Comment: In silico analysis indicates that this missense variant does not alter protein structure/function; Has not been previously published as pathogenic or benign to our knowledge

Blueprint Genetics
Classification: Uncertain significance. Last evaluated: 2024-05-27. Review status: criteria provided, single submitter. Criteria: ACMG Guidelines, 2015. Collection method: clinical testing. Allele origin: germline.

Illumina Laboratory Services, Illumina
Classification: Uncertain significance for Usher syndrome type 2C. Last evaluated: 2018-01-13. Review status: criteria provided, single submitter. Criteria: ICSL Variant Classification Criteria 13 December 2019. Collection method: clinical testing. Allele origin: germline.

Eurofins Ntd Llc (ga)
Classification: Uncertain significance. Last evaluated: 2014-11-19. Review status: criteria provided, single submitter. Criteria: EGL Classification Definitions 2015. Collection method: clinical testing. Allele origin: germline. Observed: 1 variant allele, 1 heterozygote.

NM_032119.4(ADGRV1):c.4168A>G (p.Asn1390Asp)

Gene: ADGRV1 (adhesion G protein-coupled receptor V1; plus strand). Cytogenetic location: 5q14.3.
Variant type: single nucleotide variant.
Coding change: c.4168A>G on transcript NM_032119.4 (MANE Select); coding-DNA position 4168, A replaced by G.
Protein change: p.Asn1390Asp; replaces asparagine 1390 with aspartic acid.
Molecular consequence: missense variant. On other transcripts: non-coding transcript variant (1).
Genome position (GRCh38, 1-based): chr5:90,653,742, A>G. VCF-style: chr5-90653742-A-G. GRCh37 (hg19) VCF-style: chr5-89949559-A-G.
Other names: short protein forms N1390D.
Identifiers: ClinVar variation 195535 (VCV000195535.20), dbSNP rs794727329, ClinGen allele CA241989.